The following is an entry in ClinVar:

NM_000088.4(COL1A1):c.2027G>A (p.Arg676Lys)

Gene: COL1A1 (collagen type I alpha 1 chain; minus strand). Cytogenetic location: 17q21.33.
Variant type: single nucleotide variant.
Coding change: c.2027G>A on transcript NM_000088.4 (MANE Select); coding-DNA position 2027, G replaced by A.
Protein change: p.Arg676Lys; replaces arginine 676 with lysine.
Molecular consequence: missense variant.
Genome position (GRCh38, 1-based): chr17:50,191,981, C>T on the plus strand (G>A on the coding strand, the complement: COL1A1 is on the minus strand). VCF-style: chr17-50191981-C-T. GRCh37 (hg19) VCF-style: chr17-48269342-C-T.
Other names: short protein forms R676K.
Identifiers: ClinVar variation 4888155 (VCV004888155.1).

ClinVar aggregate classification (germline): Uncertain significance (1 of 4 stars; one submission).

gnomAD v4.1: 8 of 1,612,396 alleles (0.0005%); highest among the groups gnomAD compares: Non-Finnish European, 0.00068%; no homozygotes.

Submission:

GeneDx
Classification: Uncertain significance. Last evaluated: 2026-02-06. Review status: criteria provided, single submitter. Criteria: GeneDx Variant Classification Process June 2021. Collection method: clinical testing. Allele origin: germline.
Comment: Not observed at significant frequency in large population cohorts (gnomAD); In silico analysis suggests that this missense variant does not alter protein structure/function; Occurs in the triple helical domain at the Y position in the canonical Gly-X-Y repeat; although this variant may have an effect on normal protein folding and function, missense substitution at the Y position is not a common mechanism of disease (HGMD); Has not been previously published as pathogenic or benign to our knowledge